The following is an entry in ClinVar:

NM_000083.3(CLCN1):c.651C>T (p.Val217=)

Gene: CLCN1 (chloride voltage-gated channel 1; plus strand). Cytogenetic location: 7q34.
Variant type: single nucleotide variant.
Coding change: c.651C>T on transcript NM_000083.3 (MANE Select); coding-DNA position 651, C replaced by T.
Protein change: p.Val217=; no amino-acid change (valine 217 retained).
Molecular consequence: synonymous variant. On other transcripts: non-coding transcript variant (1).
Genome position (GRCh38, 1-based): chr7:143,321,803, C>T. VCF-style: chr7-143321803-C-T. GRCh37 (hg19) VCF-style: chr7-143018896-C-T.
Identifiers: ClinVar variation 359103 (VCV000359103.17), dbSNP rs144109732, ClinGen allele CA4537024.
Genomic context (GRCh38, chr7:143,321,803, plus strand): 5'-ACTTCGTGGGGTTGTCCTGAAGGAATACCTCACAATGAAAGCCTTTGTGGCCAAGGTTGT[C>T]GCCCTGACTGCGGGCCTGGGCAGTGGCATCCCCGTGGGGAAAGAGGTAGGCCTGGCATGA-3'
Protein context (NP_000074.3, residues 207-227): LTMKAFVAKV[Val217=]ALTAGLGSGI

ClinVar aggregate classification (germline): Benign/Likely benign. Review status: criteria provided, multiple submitters, no conflicts (2 of 4 stars). 5 submissions from 5 submitters: Benign (3); Likely benign (2). Last evaluated 2026-01-24.

Conditions:
CLCN1-related disorder. Also called: CLCN1-related condition.
Congenital myotonia, autosomal dominant form (THD). Also called: Myotonia congenita autosomal dominant; THOMSEN DISEASE. Identifiers: Orphanet 614, MedGen C2936781, MONDO:0008055, OMIM 160800.
Congenital myotonia, autosomal recessive form. Also called: Becker Generalized Myotonia; BECKER DISEASE; myotonia congenita, autosomal recessive. Identifiers: Orphanet 614, MedGen C0751360, MONDO:0009715, OMIM 255700.
Batten-Turner congenital myopathy. Also called: Congenital myotonia; Myotonia congenita. Identifiers: Orphanet 206973, MedGen C0027127, MONDO:0100468, OMIM 255300.

Allele frequency attached by ClinVar (database versions not stated): gnomAD exomes 0.00016 and 0.00049; ExAC 0.00057; gnomAD 0.00145 and 0.00155; ESP Exome Variant Server 0.00154; TOPMed 0.00175; 1000 Genomes Project 0.00240; 1000 Genomes Project 30x 0.00250.
gnomAD v4.1: 463 of 1,614,220 alleles (0.029%); highest among the groups gnomAD compares: African/African-American, 0.51%; 4 homozygotes.

Submissions (5):

Labcorp Genetics (formerly Invitae), Labcorp
Classification: Benign for Congenital myotonia, autosomal recessive form; Congenital myotonia, autosomal dominant form. Last evaluated: 2026-01-24. Review status: criteria provided, single submitter. Criteria: Invitae Variant Classification Sherloc (09022015). Collection method: clinical testing. Allele origin: germline.

PreventionGenetics, part of Exact Sciences
Classification: Likely benign for CLCN1-related condition. Last evaluated: 2025-04-04. Review status: criteria provided, single submitter. Criteria: ACMG Guidelines, 2015. Collection method: clinical testing. Allele origin: germline.
Comment: This variant is classified as likely benign based on ACMG/AMP sequence variant interpretation guidelines (Richards et al. 2015 PMID: 25741868, with internal and published modifications).

GeneDx
Classification: Likely benign. Last evaluated: 2020-08-05. Review status: criteria provided, single submitter. Criteria: GeneDx Variant Classification Process June 2021. Collection method: clinical testing. Allele origin: germline. Affected: yes.

Illumina Laboratory Services, Illumina
Classification: Benign for Myotonia congenita. Last evaluated: 2018-01-12. Review status: criteria provided, single submitter. Criteria: ICSL Variant Classification Criteria 13 December 2019. Collection method: clinical testing. Allele origin: germline.
Comment: This variant was observed in the ICSL laboratory as part of a predisposition screen in an ostensibly healthy population. It had not been previously curated by ICSL or reported in the Human Gene Mutation Database (HGMD: prior to June 1st, 2018), and was therefore a candidate for classification through an automated scoring system. Utilizing variant allele frequency, disease prevalence and penetrance estimates, and inheritance mode, an automated score was calculated to assess if this variant is too frequent to cause the disease. Based on the score and internal cut-off values, a variant classified as benign is not then subjected to further curation. The score for this variant resulted in a classification of benign for this disease.

Athena Diagnostics
Classification: Benign. Last evaluated: 2017-01-17. Review status: criteria provided, single submitter. Criteria: Athena Diagnostics Criteria. Collection method: clinical testing. Allele origin: germline.